The following is an entry in ClinVar:

NM_004369.4(COL6A3):c.1901A>G (p.His634Arg)

Gene: COL6A3 (collagen type VI alpha 3 chain; minus strand). Cytogenetic location: 2q37.3.
Variant type: single nucleotide variant.
Coding change: c.1901A>G on transcript NM_004369.4 (MANE Select); coding-DNA position 1901, A replaced by G.
Protein change: p.His634Arg; replaces histidine 634 with arginine.
Molecular consequence: missense variant. On other transcripts: intron variant (1).
Genome position (GRCh38, 1-based): chr2:237,379,232, T>C on the plus strand (A>G on the coding strand, the complement: COL6A3 is on the minus strand). VCF-style: chr2-237379232-T-C. GRCh37 (hg19) VCF-style: chr2-238287875-T-C.
Other names: c.680A>G, p.His227Arg (NM_057164.5); c.1283A>G, p.His428Arg (NM_057165.5, NM_057167.4); c.676+1683A>G (NM_057166.5); short protein forms H227R, H428R, H634R.
Identifiers: ClinVar variation 2808021 (VCV002808021.3), dbSNP rs1043996096, ClinGen allele CA67827167.
Genomic context (GRCh38, chr2:237,379,232, plus strand): 5'-TTGGTTTTTCCAACGTTGGCTGATCCATCCAAAAGAAAGATGATATCCCTTTTGTTTGAG[T>C]GAACTGCAGTGAAGCACAGAAAAAAAAGTGAGACATACACAACCACGGAGAGTTTTATCA-3'
Protein context (NP_004360.2, residues 624-644): LRTLSGTPEV[His634Arg]SNKRDIIFLL

ClinVar aggregate classification (germline): Uncertain significance (1 of 4 stars; one submission).

Conditions:
Bethlem myopathy 1A. Also called: Bethlem myopathy 1; MYOPATHY, BENIGN CONGENITAL, WITH CONTRACTURES; Bethlem Muscular Dystrophy. Identifiers: Orphanet 610, MedGen CN029274, MONDO:0024530, OMIM 158810.

Allele frequency attached by ClinVar (database versions not stated): gnomAD exomes below 0.00001.
gnomAD v4.1: 1 of 1,614,078 alleles (0.000062%); highest among the groups gnomAD compares: Non-Finnish European, 0.000085%; no homozygotes.

Submission:

Labcorp Genetics (formerly Invitae), Labcorp
Classification: Uncertain significance for Bethlem myopathy 1A. Last evaluated: 2025-09-08. Review status: criteria provided, single submitter. Criteria: Invitae Variant Classification Sherloc (09022015). Collection method: clinical testing. Allele origin: germline.
Comment: This sequence change replaces histidine, which is basic and polar, with arginine, which is basic and polar, at codon 634 of the COL6A3 protein (p.His634Arg). This variant is not present in population databases (gnomAD no frequency). This variant has not been reported in the literature in individuals affected with COL6A3-related conditions. ClinVar contains an entry for this variant (Variation ID: 2808021). Invitae Evidence Modeling of protein sequence and biophysical properties (such as structural, functional, and spatial information, amino acid conservation, physicochemical variation, residue mobility, and thermodynamic stability) indicates that this missense variant is not expected to disrupt COL6A3 protein function with a negative predictive value of 95%. In summary, the available evidence is currently insufficient to determine the role of this variant in disease. Therefore, it has been classified as a Variant of Uncertain Significance.